The following is an entry in ClinVar:

NM_000498.3(CYP11B2):c.240-1G>A

Genes: CYP11B2 (cytochrome P450 family 11 subfamily B member 2; minus strand), LOC106799834 (CYP11B2 recombination region; plus strand). Cytogenetic location: 8q24.3.
Variant type: single nucleotide variant.
Coding change: c.240-1G>A on transcript NM_000498.3 (MANE Select); the canonical splice acceptor site of the intron before coding-DNA position 240, G replaced by A.
Molecular consequence: splice acceptor variant.
Genome position (GRCh38, 1-based): chr8:142,917,215, C>T on the plus strand (G>A on the coding strand, the complement: CYP11B2 is on the minus strand). VCF-style: chr8-142917215-C-T. GRCh37 (hg19) VCF-style: chr8-143998631-C-T.
Identifiers: ClinVar variation 835110 (VCV000835110.9), dbSNP rs771164401, ClinGen allele CA4906311.

ClinVar aggregate classification (germline): Pathogenic. Review status: criteria provided, single submitter (1 of 4 stars). 2 submissions from 2 submitters: Pathogenic (1). 1 of the submissions does not count toward it. Last evaluated 2023-09-08.

Conditions:
Corticosterone methyl oxidase type II deficiency.

Allele frequency attached by ClinVar (database versions not stated): TOPMed below 0.00001; ExAC 0.00001.
gnomAD v4.1: 10 of 1,613,930 alleles (0.00062%); highest among the groups gnomAD compares: Admixed American, 0.0017%; no homozygotes.

Submissions (2):

Labcorp Genetics (formerly Invitae), Labcorp
Classification: Pathogenic. Last evaluated: 2023-09-08. Review status: criteria provided, single submitter. Criteria: Invitae Variant Classification Sherloc (09022015). Collection method: clinical testing. Allele origin: germline.
Comment: This sequence change affects an acceptor splice site in intron 1 of the CYP11B2 gene. It is expected to disrupt RNA splicing. Variants that disrupt the donor or acceptor splice site typically lead to a loss of protein function (PMID: 16199547), and loss-of-function variants in CYP11B2 are known to be pathogenic (PMID: 20494601, 22801770, 26936515). This variant is present in population databases (rs771164401, gnomAD 0.003%). Disruption of this splice site has been observed in individual(s) with aldosterone synthase deficiency (PMID: 26936515). In at least one individual the data is consistent with being in trans (on the opposite chromosome) from a pathogenic variant. ClinVar contains an entry for this variant (Variation ID: 835110). Algorithms developed to predict the effect of sequence changes on RNA splicing suggest that this variant may disrupt the consensus splice site. For these reasons, this variant has been classified as Pathogenic.

Natera, Inc.
Classification: Pathogenic for Corticosterone methyl oxidase type II deficiency. Last evaluated: 2020-09-16. Review status: no assertion criteria provided. Collection method: clinical testing. Allele origin: germline. Not counted in ClinVar's aggregate classification.

Literature cited by the submitters: PubMed 16199547 (cited by Labcorp Genetics (formerly Invitae), Labcorp); PubMed 20494601 (cited by Labcorp Genetics (formerly Invitae), Labcorp); PubMed 22801770 (cited by Labcorp Genetics (formerly Invitae), Labcorp); PubMed 26936515 (cited by Labcorp Genetics (formerly Invitae), Labcorp).